The following is an entry in ClinVar:

NM_001199138.2(NLRC4):c.703A>G (p.Met235Val)

Gene: NLRC4 (NLR family CARD domain containing 4; minus strand). Cytogenetic location: 2p22.3.
Variant type: single nucleotide variant.
Coding change: c.703A>G on transcript NM_001199138.2 (MANE Select); coding-DNA position 703, A replaced by G.
Protein change: p.Met235Val; replaces methionine 235 with valine.
Molecular consequence: missense variant. On other transcripts: intron variant (1).
Genome position (GRCh38, 1-based): chr2:32,251,161, T>C on the plus strand (A>G on the coding strand, the complement: NLRC4 is on the minus strand). VCF-style: chr2-32251161-T-C. GRCh37 (hg19) VCF-style: chr2-32476230-T-C.
Other names: c.703A>G, p.Met235Val (NM_001199139.2, NM_021209.5); c.262+1258A>G (NM_001302504.1); short protein forms M235V.
Identifiers: ClinVar variation 3748847 (VCV003748847.2).

ClinVar aggregate classification (germline): Uncertain significance (1 of 4 stars; one submission).

Conditions:
Periodic fever-infantile enterocolitis-autoinflammatory syndrome. Also called: Autoinflammation with infantile enterocolitis. Identifiers: Orphanet 436166, MedGen C4015067, MONDO:0014472, OMIM 616050.
Familial cold autoinflammatory syndrome 4 (FCAS4). Identifiers: Orphanet 47045, Orphanet 576349, MedGen C4015276, MONDO:0014498, OMIM 616115.

gnomAD v4.1: 4 of 1,614,112 alleles (0.00025%); highest among the groups gnomAD compares: Non-Finnish European, 0.00034%; no homozygotes.

Submission:

Labcorp Genetics (formerly Invitae), Labcorp
Classification: Uncertain significance for Periodic fever-infantile enterocolitis-autoinflammatory syndrome; Familial cold autoinflammatory syndrome 4. Last evaluated: 2025-03-18. Review status: criteria provided, single submitter. Criteria: Invitae Variant Classification Sherloc (09022015). Collection method: clinical testing. Allele origin: germline.
Comment: This sequence change replaces methionine, which is neutral and non-polar, with valine, which is neutral and non-polar, at codon 235 of the NLRC4 protein (p.Met235Val). This variant is not present in population databases (gnomAD no frequency). This variant has not been reported in the literature in individuals affected with NLRC4-related conditions. Invitae Evidence Modeling of protein sequence and biophysical properties (such as structural, functional, and spatial information, amino acid conservation, physicochemical variation, residue mobility, and thermodynamic stability) indicates that this missense variant is not expected to disrupt NLRC4 protein function with a negative predictive value of 80%. In summary, the available evidence is currently insufficient to determine the role of this variant in disease. Therefore, it has been classified as a Variant of Uncertain Significance.